The following is an entry in ClinVar:

NM_001953.5(TYMP):c.594A>G (p.Leu198=)

Gene: TYMP (thymidine phosphorylase; minus strand). Cytogenetic location: 22q13.33.
Variant type: single nucleotide variant.
Coding change: c.594A>G on transcript NM_001953.5 (MANE Select); coding-DNA position 594, A replaced by G.
Protein change: p.Leu198=; no amino-acid change (leucine 198 retained).
Molecular consequence: synonymous variant.
Genome position (GRCh38, 1-based): chr22:50,527,640, T>C on the plus strand (A>G on the coding strand, the complement: TYMP is on the minus strand). VCF-style: chr22-50527640-T-C. GRCh37 (hg19) VCF-style: chr22-50966069-T-C.
Other names: c.594A>G, p.Leu198= (NM_001113755.3, NM_001113756.3, NM_001257988.1 and 1 more transcripts).
Identifiers: ClinVar variation 1009703 (VCV001009703.7), dbSNP rs753241194, ClinGen allele CA10321692.

ClinVar aggregate classification (germline): Likely benign. Review status: criteria provided, multiple submitters, no conflicts (2 of 4 stars). 3 submissions from 3 submitters: Likely benign (2). 1 of the submissions does not count toward it. Last evaluated 2026-09-01.

Conditions:
Mitochondrial neurogastrointestinal encephalomyopathy. Also called: Mitochondrial neurogastrointestinal encephalopathy syndrome; MNGIE syndrome; Thymidine phosphorylase deficiency. Identifiers: Orphanet 298, MedGen C0872218, MONDO:0017575.

Allele frequency attached by ClinVar (database versions not stated): ExAC 0.00001; gnomAD 0.00002; gnomAD exomes 0.00002 and 0.00004; TOPMed 0.00003.

Submissions (3):

CeGaT Center for Human Genetics Tuebingen
Classification: Likely benign. Last evaluated: 2026-09-01. Review status: criteria provided, single submitter. Criteria: CeGaT Center For Human Genetics Tuebingen Variant Classification Criteria Version 2. Collection method: clinical testing. Allele origin: germline. Affected: yes. Observed: 1 variant allele.
Comment: TYMP: BP4, BP7

Labcorp Genetics (formerly Invitae), Labcorp
Classification: Likely benign. Last evaluated: 2026-01-19. Review status: criteria provided, single submitter. Criteria: Invitae Variant Classification Sherloc (09022015). Collection method: clinical testing. Allele origin: germline.

Natera, Inc.
Classification: Uncertain significance for Mitochondrial neurogastrointestinal encephalomyopathy. Last evaluated: 2020-02-13. Review status: no assertion criteria provided. Collection method: clinical testing. Allele origin: germline. Not counted in ClinVar's aggregate classification.